The following is an entry in ClinVar:

ClinVar aggregate classification (germline): Conflicting classifications of pathogenicity. Review status: criteria provided, conflicting classifications (1 of 4 stars). 2 submissions from 2 submitters: Pathogenic (1); Uncertain significance (1). Last evaluated 2022-05-04.

Conditions:
Autosomal dominant nonsyndromic hearing loss 5. Identifiers: Orphanet 90635, MedGen C1832932, MONDO:0010973, OMIM 600994.

Submissions (2):

Mendelics
Classification: Uncertain significance. Last evaluated: 2022-05-04. Review status: criteria provided, single submitter. Criteria: Mendelics Assertion Criteria 2019. Collection method: clinical testing. Allele origin: germline.

Dasa
Classification: Pathogenic for Autosomal dominant nonsyndromic hearing loss 5. Last evaluated: 2022-04-10. Review status: criteria provided, single submitter. Criteria: ACMG Guidelines, 2015. Collection method: clinical testing. Allele origin: germline. Affected: yes. Observed: 1 variant allele.
Comment: The c.781C>T;p.(Arg261)* variant creates a premature translational stop signal in the GSDME gene. It is expected to result in an absent or disrupted protein product -PVS1. This sequence change has been observed in affected individual(s) and ClinVar contains an entry for this variant (PMID: 24164807) - PS4_supporting. The variant co-segregated with disease in multiple affected family members (PMID: 24164807) - PP1 and allele frequency is greater than expected for disorder in Asian population - BS1. In summary, the currently available evidence indicates that the variant is pathogenic

Literature cited by the submitters: PubMed 24164807 (cited by Dasa).

NM_001127453.2(GSDME):c.781C>T (p.Arg261Ter)

Gene: GSDME (gasdermin E; minus strand). Cytogenetic location: 7p15.3.
Variant type: single nucleotide variant.
Coding change: c.781C>T on transcript NM_001127453.2 (MANE Select); coding-DNA position 781, C replaced by T.
Protein change: p.Arg261Ter; replaces arginine 261 with a stop codon.
Molecular consequence: nonsense.
Genome position (GRCh38, 1-based): chr7:24,710,305, G>A on the plus strand (C>T on the coding strand, the complement: GSDME is on the minus strand). VCF-style: chr7-24710305-G-A. GRCh37 (hg19) VCF-style: chr7-24749924-G-A.
Other names: c.289C>T, p.Arg97Ter (NM_001127454.2); c.781C>T, p.Arg261Ter (NM_004403.3); short protein forms R261*, R97*.
Identifiers: ClinVar variation 1676322 (VCV001676322.5), dbSNP rs200205042, ClinGen allele CA4191566.